The following is an entry in ClinVar:

NM_001035.3(RYR2):c.8176G>A (p.Glu2726Lys)

Gene: RYR2 (ryanodine receptor 2; plus strand). Cytogenetic location: 1q43.
Variant type: single nucleotide variant.
Coding change: c.8176G>A on transcript NM_001035.3 (MANE Select); coding-DNA position 8176, G replaced by A.
Protein change: p.Glu2726Lys; replaces glutamic acid 2726 with lysine.
Molecular consequence: missense variant.
Genome position (GRCh38, 1-based): chr1:237,657,990, G>A. VCF-style: chr1-237657990-G-A. GRCh37 (hg19) VCF-style: chr1-237821290-G-A.
Other names: short protein forms E2726K.
Identifiers: ClinVar variation 1366596 (VCV001366596.11), dbSNP rs1683416070, ClinGen allele CA345401212.

ClinVar aggregate classification (germline): Uncertain significance. Review status: criteria provided, multiple submitters, no conflicts (2 of 4 stars). 4 submissions from 4 submitters: Uncertain significance (4). Last evaluated 2024-07-30.

Conditions:
Cardiovascular phenotype. Identifiers: MedGen CN230736.
Catecholaminergic polymorphic ventricular tachycardia (CVPT). Also called: Catecholamine-induced polymorphic ventricular tachycardia. Identifiers: Orphanet 3286, MedGen C5574922, MONDO:0017990.
Catecholaminergic polymorphic ventricular tachycardia 1. Also called: VENTRICULAR TACHYCARDIA, STRESS-INDUCED POLYMORPHIC 1; VENTRICULAR TACHYCARDIA, CATECHOLAMINERGIC POLYMORPHIC, 1, WITH OR WITHOUT ATRIAL DYSFUNCTION AND/OR DILATED CARDIOMYOPATHY; RYR2-Related Catecholaminergic Polymorphic Ventricular Tachycardia. Identifiers: Orphanet 3286, MedGen C1631597, MONDO:0011484, OMIM 604772.

Allele frequency attached by ClinVar (database versions not stated): TOPMed below 0.00001.
gnomAD v4.1: 1 of 1,517,644 alleles (0.000066%); highest among the groups gnomAD compares: Non-Finnish European, 0.000088%; no homozygotes.

Submissions (4):

Labcorp Genetics (formerly Invitae), Labcorp
Classification: Uncertain significance for Catecholaminergic polymorphic ventricular tachycardia 1. Last evaluated: 2024-07-30. Review status: criteria provided, single submitter. Criteria: Invitae Variant Classification Sherloc (09022015). Collection method: clinical testing. Allele origin: germline.
Comment: This sequence change replaces glutamic acid, which is acidic and polar, with lysine, which is basic and polar, at codon 2726 of the RYR2 protein (p.Glu2726Lys). This variant is not present in population databases (gnomAD no frequency). This variant has not been reported in the literature in individuals affected with RYR2-related conditions. ClinVar contains an entry for this variant (Variation ID: 1366596). Advanced modeling of protein sequence and biophysical properties (such as structural, functional, and spatial information, amino acid conservation, physicochemical variation, residue mobility, and thermodynamic stability) performed at Invitae indicates that this missense variant is expected to disrupt RYR2 protein function with a positive predictive value of 95%. In summary, the available evidence is currently insufficient to determine the role of this variant in disease. Therefore, it has been classified as a Variant of Uncertain Significance.

All of Us Research Program, National Institutes of Health
Classification: Uncertain significance for Catecholaminergic polymorphic ventricular tachycardia. Last evaluated: 2024-03-05. Review status: criteria provided, single submitter. Criteria: ACMG Guidelines, 2015. Collection method: clinical testing. Allele origin: germline. Inheritance: Autosomal dominant inheritance. Observed: 1 variant allele, 1 heterozygote.
Comment: This study involves interpretation of variants in research participants for the purpose of population health screening. Participant phenotype was not available at the time of variant classification. Additional details can be found in publication PMID: 35346344, PMCID: PMC8962531

Ambry Genetics
Classification: Uncertain significance for Cardiovascular phenotype. Last evaluated: 2023-11-13. Review status: criteria provided, single submitter. Criteria: Ambry Variant Classification Scheme 2023. Collection method: clinical testing. Allele origin: germline.
Comment: The p.E2726K variant (also known as c.8176G>A), located in coding exon 54 of the RYR2 gene, results from a G to A substitution at nucleotide position 8176. The glutamic acid at codon 2726 is replaced by lysine, an amino acid with similar properties. This amino acid position is highly conserved in available vertebrate species. In addition, this alteration is predicted to be deleterious by in silico analysis. Since supporting evidence is limited at this time, the clinical significance of this alteration remains unclear.

GeneDx
Classification: Uncertain significance. Last evaluated: 2022-04-15. Review status: criteria provided, single submitter. Criteria: GeneDx Variant Classification Process June 2021. Collection method: clinical testing. Allele origin: germline. Affected: yes.
Comment: Not observed at significant frequency in large population cohorts (gnomAD); In silico analysis supports that this missense variant has a deleterious effect on protein structure/function; Has not been previously published as pathogenic or benign to our knowledge; Not located in one of the three hot-spot regions of the RYR2 gene, where the majority of pathogenic missense variants occur (Medeiros-Domingo et al., 2009); This variant is associated with the following publications: (PMID: 19926015)